The following is an entry in ClinVar:

NM_182961.4(SYNE1):c.8851A>G (p.Met2951Val)

Genes: SYNE1 (spectrin repeat containing nuclear envelope protein 1; minus strand), SYNE1-AS1 (SYNE1 antisense RNA 1; plus strand). Cytogenetic location: 6q25.2.
Variant type: single nucleotide variant.
Coding change: c.8851A>G on transcript NM_182961.4 (MANE Select); coding-DNA position 8851, A replaced by G.
Protein change: p.Met2951Val; replaces methionine 2951 with valine.
Molecular consequence: missense variant. On other transcripts: non-coding transcript variant (1).
Genome position (GRCh38, 1-based): chr6:152,381,164, T>C on the plus strand (A>G on the coding strand, the complement: SYNE1 is on the minus strand). VCF-style: chr6-152381164-T-C. GRCh37 (hg19) VCF-style: chr6-152702299-T-C.
Other names: c.8872A>G, p.Met2958Val (NM_033071.5); c.8872A>G (NM_033071.3); short protein forms M2958V, M2951V.
Identifiers: ClinVar variation 1508184 (VCV001508184.9), dbSNP rs1202916520, ClinGen allele CA366144216.

ClinVar aggregate classification (germline): Uncertain significance. Review status: criteria provided, multiple submitters, no conflicts (2 of 4 stars). 2 submissions from 2 submitters: Uncertain significance (2). Last evaluated 2023-07-03.

Conditions:
Autosomal recessive ataxia, Beauce type. Also called: SYNE1-Related Autosomal Recessive Cerebellar Ataxia; Spinocerebellar ataxia, autosomal recessive 8; ATAXIA, RECESSIVE, OF BEAUCE; SYNE1 Deficiency. Identifiers: Orphanet 88644, MedGen C1853116, MONDO:0012549, OMIM 610743.
Emery-Dreifuss muscular dystrophy 4, autosomal dominant (EDMD4). Also called: EMERY-DREIFUSS MUSCULAR DYSTROPHY 4 WITH VARIABLE FEATURES. Identifiers: Orphanet 261, MedGen C2751807, MONDO:0013071, OMIM 612998.

Allele frequency attached by ClinVar (database versions not stated): gnomAD 0.00001; gnomAD exomes 0.00001; TOPMed 0.00002.
gnomAD v4.1: 26 of 1,614,116 alleles (0.0016%); highest among the groups gnomAD compares: Non-Finnish European, 0.0022%; no homozygotes.

Submissions (2):

GeneDx
Classification: Uncertain significance. Last evaluated: 2023-07-03. Review status: criteria provided, single submitter. Criteria: GeneDx Variant Classification Process June 2021. Collection method: clinical testing. Allele origin: germline. Affected: yes.
Comment: Not observed at significant frequency in large population cohorts (gnomAD); In silico analysis supports that this missense variant does not alter protein structure/function; Has not been previously published as pathogenic or benign to our knowledge

Labcorp Genetics (formerly Invitae), Labcorp
Classification: Uncertain significance for Emery-Dreifuss muscular dystrophy 4, autosomal dominant; Autosomal recessive ataxia, Beauce type. Last evaluated: 2021-12-02. Review status: criteria provided, single submitter. Criteria: Invitae Variant Classification Sherloc (09022015). Collection method: clinical testing. Allele origin: germline.
Comment: In summary, the available evidence is currently insufficient to determine the role of this variant in disease. Therefore, it has been classified as a Variant of Uncertain Significance. Algorithms developed to predict the effect of sequence changes on RNA splicing suggest that this variant may create or strengthen a splice site. Algorithms developed to predict the effect of missense changes on protein structure and function are either unavailable or do not agree on the potential impact of this missense change (SIFT: "Deleterious"; PolyPhen-2: "Benign"; Align-GVGD: "Class C15"). This variant has not been reported in the literature in individuals affected with SYNE1-related conditions. This variant is present in population databases (no rsID available, gnomAD 0.002%). This sequence change replaces methionine, which is neutral and non-polar, with valine, which is neutral and non-polar, at codon 2958 of the SYNE1 protein (p.Met2958Val).